The following is an entry in ClinVar:

NM_173076.3(ABCA12):c.5665A>C (p.Thr1889Pro)

Gene: ABCA12 (ATP binding cassette subfamily A member 12; minus strand). Cytogenetic location: 2q35.
Variant type: single nucleotide variant.
Coding change: c.5665A>C on transcript NM_173076.3 (MANE Select); coding-DNA position 5665, A replaced by C.
Protein change: p.Thr1889Pro; replaces threonine 1889 with proline.
Molecular consequence: missense variant. On other transcripts: non-coding transcript variant (1).
Genome position (GRCh38, 1-based): chr2:214,970,298, T>G on the plus strand (A>C on the coding strand, the complement: ABCA12 is on the minus strand). VCF-style: chr2-214970298-T-G. GRCh37 (hg19) VCF-style: chr2-215835022-T-G.
Other names: c.4711A>C, p.Thr1571Pro (NM_015657.4); short protein forms T1889P, T1571P.
Identifiers: ClinVar variation 2812355 (VCV002812355.3), dbSNP rs1699357918, ClinGen allele CA350453526.

ClinVar aggregate classification (germline): Uncertain significance (1 of 4 stars; one submission).

Submission:

Labcorp Genetics (formerly Invitae), Labcorp
Classification: Uncertain significance. Last evaluated: 2022-11-06. Review status: criteria provided, single submitter. Criteria: Invitae Variant Classification Sherloc (09022015). Collection method: clinical testing. Allele origin: germline.
Comment: This sequence change replaces threonine, which is neutral and polar, with proline, which is neutral and non-polar, at codon 1889 of the ABCA12 protein (p.Thr1889Pro). In summary, the available evidence is currently insufficient to determine the role of this variant in disease. Therefore, it has been classified as a Variant of Uncertain Significance. Advanced modeling of protein sequence and biophysical properties (such as structural, functional, and spatial information, amino acid conservation, physicochemical variation, residue mobility, and thermodynamic stability) performed at Invitae indicates that this missense variant is expected to disrupt ABCA12 protein function. This variant has not been reported in the literature in individuals affected with ABCA12-related conditions. This variant is not present in population databases (gnomAD no frequency).